The following is an entry in ClinVar:

NM_001322934.2(NFKB2):c.2650C>G (p.Pro884Ala)

Gene: NFKB2 (nuclear factor kappa B subunit 2; plus strand). Cytogenetic location: 10q24.32.
Variant type: single nucleotide variant.
Coding change: c.2650C>G on transcript NM_001322934.2 (MANE Select); coding-DNA position 2650, C replaced by G.
Protein change: p.Pro884Ala; replaces proline 884 with alanine.
Molecular consequence: missense variant.
Genome position (GRCh38, 1-based): chr10:102,402,323, C>G. VCF-style: chr10-102402323-C-G. GRCh37 (hg19) VCF-style: chr10-104162080-C-G.
Other names: c.2650C>G, p.Pro884Ala (NM_001077494.3); c.2647C>G, p.Pro883Ala (NM_001261403.3, NM_001288724.1, NM_002502.6); c.2524C>G, p.Pro842Ala (NM_001322935.1); c.2650C>G (NM_001077494.1); short protein forms P842A, P883A, P884A.
Identifiers: ClinVar variation 1061701 (VCV001061701.10), dbSNP rs752257888, ClinGen allele CA5665136.

ClinVar aggregate classification (germline): Uncertain significance. Review status: criteria provided, multiple submitters, no conflicts (2 of 4 stars). 3 submissions from 3 submitters: Uncertain significance (3). Last evaluated 2025-12-25.

Conditions:
Inborn genetic diseases. Identifiers: MedGen C0950123, MeSH D030342.
NFKB2-related disorder. Also called: NFKB2-related condition.
Immunodeficiency, common variable, 10. Also called: IMMUNODEFICIENCY, COMMON VARIABLE, WITH CENTRAL ADRENAL INSUFFICIENCY; DEFICIT IN ANTERIOR PITUITARY FUNCTION AND VARIABLE IMMUNODEFICIENCY. Identifiers: MedGen C3809991, MONDO:0014260, OMIM 615577.

Allele frequency attached by ClinVar (database versions not stated): gnomAD 0.00002; TOPMed 0.00005; gnomAD exomes 0.00007; ExAC 0.00017.

Submissions (3):

Labcorp Genetics (formerly Invitae), Labcorp
Classification: Uncertain significance for Immunodeficiency, common variable, 10. Last evaluated: 2025-12-25. Review status: criteria provided, single submitter. Criteria: Invitae Variant Classification Sherloc (09022015). Collection method: clinical testing. Allele origin: germline.
Comment: This sequence change replaces proline, which is neutral and non-polar, with alanine, which is neutral and non-polar, at codon 884 of the NFKB2 protein (p.Pro884Ala). This variant is present in population databases (rs752257888, gnomAD 0.05%). This variant has not been reported in the literature in individuals affected with NFKB2-related conditions. ClinVar contains an entry for this variant (Variation ID: 1061701). An algorithm developed to predict the effect of missense changes on protein structure and function (PolyPhen-2) suggests that this variant is likely to be disruptive. In summary, the available evidence is currently insufficient to determine the role of this variant in disease. Therefore, it has been classified as a Variant of Uncertain Significance.

Ambry Genetics
Classification: Uncertain significance for Inborn genetic diseases. Last evaluated: 2025-10-29. Review status: criteria provided, single submitter. Criteria: Ambry Variant Classification Scheme 2023. Collection method: clinical testing. Allele origin: germline.

PreventionGenetics, part of Exact Sciences
Classification: Uncertain significance for NFKB2-related condition. Last evaluated: 2023-02-20. Review status: criteria provided, single submitter. Criteria: ACMG Guidelines, 2015. Collection method: clinical testing. Allele origin: germline.
Comment: The NFKB2 c.2650C>G variant is predicted to result in the amino acid substitution p.Pro884Ala. To our knowledge, this variant has not been reported in the literature. This variant is reported in 0.060% of alleles in individuals of East Asian descent in gnomAD. At this time, the clinical significance of this variant is uncertain due to the absence of conclusive functional and genetic evidence.